The following is an entry in ClinVar:

ClinVar aggregate classification (germline): Pathogenic/Likely pathogenic. Review status: criteria provided, multiple submitters, no conflicts (2 of 4 stars). 2 submissions from 2 submitters: Pathogenic (1); Likely pathogenic (1). Last evaluated 2025-07-29.

Submissions (2):

ARUP Laboratories, Molecular Genetics and Genomics, ARUP Laboratories
Classification: Pathogenic. Last evaluated: 2025-07-29. Review status: criteria provided, single submitter. Criteria: ARUP Molecular Germline Variant Investigation Process 2024. Collection method: clinical testing. Allele origin: germline.
Comment: The NOTCH3 c.402C>G; p.Cys134Trp variant (ClinVar Variation ID 4057115) is reported in the literature in five individuals affected with CADASIL (Federico 2005, Feuerhake 2002, Joutel 2001, Opherk 2004, Tikka 2009). This variant is absent from the Genome Aggregation Database (v2.1.1), indicating it is not a common polymorphism. Additionally, other variants at this codon (c.401G>A, Cys134Tyr; c.400T>C, Cys134Arg) have been reported in individuals with CADASIL and are considered disease-causing (Kim 2020, Ni 2022, Testi 2012). Computational analyses predict that this variant is deleterious (REVEL: 0.92). Most pathogenic NOTCH3 variants occur in exons 2-24 and either create or destroy a cysteine residue within an EGF-like domain (Rutten 2014), and thus the p.Cys134Trp variant is consistent with the predominant mechanism of disease in NOTCH3. Based on available information, this variant is considered to be pathogenic. References: Federico et al. Neurol Sci. 2005 Jun;26(2):117-24. PMID: 15995828. Feuerhake et al. Reversible coma with raised intracranial pressure: an unusual clinical manifestation of CADASIL. Acta Neuropathol. 2002 Feb;103(2):188-92. PMID: 11810186. Joutel et al. Skin biopsy immunostaining with a Notch3 monoclonal antibody for CADASIL diagnosis. Lancet. 2001 Dec 15;358(9298):2049-51. PMID: 11755616. Kim et al. Clinical and imaging features of patients with cerebral autosomal dominant arteriopathy with subcortical infarcts and leukoencephalopathy and cysteine-sparing NOTCH3 mutations. PLoS One. 2020 Jun 18;15(6):e0234797. PMID: 32555735 Ni et al. Genetic spectrum of NOTCH3 and clinical phenotype of CADASIL patients in different populations. CNS Neurosci Ther. 2022 Nov;28(11):1779-1789. PMID: 35822697. Opherk et al. Long-term prognosis and causes of death in CADASIL: a retrospective study in 411 patients. Brain. 2004 Nov;127(Pt 11):2533-9. PMID: 15364702. Rutten JW et al. Interpretation of NOTCH3 mutations in the diagnosis of CADASIL. Expert Rev Mol Diagn. 2014 Jun;14(5):593-603. PMID: 24844136. Testi et al. Mutational and haplotype map of NOTCH3 in a cohort of Italian patients with cerebral autosomal dominant arteriopathy with subcortical infarcts and leukoencephalopathy (CADASIL). J Neurol Sci. 2012 Aug 15;319(1-2):37-41. PMID: 22664156. Tikka et al. Congruence between NOTCH3 mutations and GOM in 131 CADASIL patients. Brain. 2009 Apr;132(Pt 4):933-9. PMID: 19174371.

GeneDx
Classification: Likely pathogenic. Last evaluated: 2025-01-09. Review status: criteria provided, single submitter. Criteria: GeneDx Variant Classification Process June 2021. Collection method: clinical testing. Allele origin: germline. Affected: yes.
Comment: Identified in multiple unrelated patients with NOTCH3-related cerebral arteriopathy with subcortical infarcts and leukoencephalopathy referred for genetic testing at GeneDx and in published literature (PMID: 11755616, 15364702, 11810186, 19174371); Not observed at significant frequency in large population cohorts (gnomAD); In silico analysis supports that this missense variant has a deleterious effect on protein structure/function; This variant is associated with the following publications: (PMID: 19080749, 15995828, 11755616, 23572112, 12146805, 15364702, 39504961, 24844136, 11810186, 19174371, 37873835)

NM_000435.3(NOTCH3):c.402C>G (p.Cys134Trp)

Gene: NOTCH3 (notch receptor 3; minus strand). Cytogenetic location: 19p13.12.
Variant type: single nucleotide variant.
Coding change: c.402C>G on transcript NM_000435.3 (MANE Select); coding-DNA position 402, C replaced by G.
Protein change: p.Cys134Trp; replaces cysteine 134 with tryptophan.
Molecular consequence: missense variant.
Genome position (GRCh38, 1-based): chr19:15,192,237, G>C on the plus strand (C>G on the coding strand, the complement: NOTCH3 is on the minus strand). VCF-style: chr19-15192237-G-C. GRCh37 (hg19) VCF-style: chr19-15303048-G-C.
Other names: short protein forms C134W.
Identifiers: ClinVar variation 4057115 (VCV004057115.2).